The following is an entry in ClinVar:

NM_000218.3(KCNQ1):c.752T>A (p.Leu251Gln)

Gene: KCNQ1 (potassium voltage-gated channel subfamily Q member 1; plus strand). Cytogenetic location: 11p15.5.
Variant type: single nucleotide variant.
Coding change: c.752T>A on transcript NM_000218.3 (MANE Select); coding-DNA position 752, T replaced by A.
Protein change: p.Leu251Gln; replaces leucine 251 with glutamine.
Molecular consequence: missense variant.
Genome position (GRCh38, 1-based): chr11:2,572,081, T>A. VCF-style: chr11-2572081-T-A. GRCh37 (hg19) VCF-style: chr11-2593311-T-A.
Other names: c.752T>A, p.Leu251Gln (NM_001406836.1); c.482T>A, p.Leu161Gln (NM_001406837.1); c.371T>A, p.Leu124Gln (NM_181798.2); short protein forms L124Q, L251Q, L161Q.
Identifiers: ClinVar variation 1004846 (VCV001004846.10), dbSNP rs199472716, ClinGen allele CA379131020.

ClinVar aggregate classification (germline): Likely pathogenic (1 of 4 stars; one submission).

Conditions:
Long QT syndrome (LQTS). Identifiers: MedGen C0023976, MeSH D008133, MONDO:0002442. Disease mechanism: loss of function. Inheritance: Various modes of inheritance.

Submission:

Labcorp Genetics (formerly Invitae), Labcorp
Classification: Likely pathogenic for Long QT syndrome. Last evaluated: 2023-05-02. Review status: criteria provided, single submitter. Criteria: Invitae Variant Classification Sherloc (09022015). Collection method: clinical testing. Allele origin: germline.
Comment: In summary, the currently available evidence indicates that the variant is pathogenic, but additional data are needed to prove that conclusively. Therefore, this variant has been classified as Likely Pathogenic. This variant disrupts the p.Leu251 amino acid residue in KCNQ1. Other variant(s) that disrupt this residue have been determined to be pathogenic (PMID: 10874277). This suggests that this residue is clinically significant, and that variants that disrupt this residue are likely to be disease-causing. Advanced modeling of protein sequence and biophysical properties (such as structural, functional, and spatial information, amino acid conservation, physicochemical variation, residue mobility, and thermodynamic stability) performed at Invitae indicates that this missense variant is expected to disrupt KCNQ1 protein function. ClinVar contains an entry for this variant (Variation ID: 1004846). This missense change has been observed in individual(s) with clinical features of long QT syndrome (PMID: 26496715; Invitae). This variant is not present in population databases (gnomAD no frequency). This sequence change replaces leucine, which is neutral and non-polar, with glutamine, which is neutral and polar, at codon 251 of the KCNQ1 protein (p.Leu251Gln).

Literature cited by the submitters: PubMed 10874277; PubMed 26496715.